The following is an entry in ClinVar:

NM_001232.4(CASQ2):c.1031T>A (p.Met344Lys)

Gene: CASQ2 (calsequestrin 2; minus strand). Cytogenetic location: 1p13.1.
Variant type: single nucleotide variant.
Coding change: c.1031T>A on transcript NM_001232.4 (MANE Select); coding-DNA position 1031, T replaced by A.
Protein change: p.Met344Lys; replaces methionine 344 with lysine.
Molecular consequence: missense variant.
Genome position (GRCh38, 1-based): chr1:115,701,410, A>T on the plus strand (T>A on the coding strand, the complement: CASQ2 is on the minus strand). VCF-style: chr1-115701410-A-T. GRCh37 (hg19) VCF-style: chr1-116244031-A-T.
Other names: short protein forms M344K.
Identifiers: ClinVar variation 1303474 (VCV001303474.5), dbSNP rs575326580, ClinGen allele CA1023629.

ClinVar aggregate classification (germline): Uncertain significance. Review status: criteria provided, multiple submitters, no conflicts (2 of 4 stars). 3 submissions from 3 submitters: Uncertain significance (3). Last evaluated 2023-04-11.

Conditions:
Catecholaminergic polymorphic ventricular tachycardia 2. Also called: CASQ2-Related Catecholaminergic Polymorphic Ventricular Tachycardia; VENTRICULAR TACHYCARDIA, STRESS-INDUCED POLYMORPHIC 2. Identifiers: Orphanet 3286, MedGen C2677794, MONDO:0012762, OMIM 611938.
Cardiovascular phenotype. Identifiers: MedGen CN230736.

Allele frequency attached by ClinVar (database versions not stated): TOPMed below 0.00001; gnomAD 0.00001; gnomAD exomes 0.00001; ExAC 0.00002.
gnomAD v4.1: 8 of 1,611,462 alleles (0.0005%); highest among the groups gnomAD compares: African/African-American, 0.0013%; no homozygotes.

Submissions (3):

Genome-Nilou Lab
Classification: Uncertain significance for Catecholaminergic polymorphic ventricular tachycardia 2. Last evaluated: 2023-04-11. Review status: criteria provided, single submitter. Criteria: ACMG Guidelines, 2015. Collection method: clinical testing. Allele origin: germline. Affected: no.

GeneDx
Classification: Uncertain significance. Last evaluated: 2020-11-25. Review status: criteria provided, single submitter. Criteria: GeneDx Variant Classification Process June 2021. Collection method: clinical testing. Allele origin: germline. Affected: yes.
Comment: Not observed at a significant frequency in large population cohorts (Lek et al., 2016); In silico analysis supports that this missense variant has a deleterious effect on protein structure/function; This variant is associated with the following publications: (PMID: 25163546)

Ambry Genetics
Classification: Uncertain significance for Cardiovascular phenotype. Last evaluated: 2020-01-02. Review status: criteria provided, single submitter. Criteria: Ambry Variant Classification Scheme 2023. Collection method: clinical testing. Allele origin: germline.
Comment: The p.M344K variant (also known as c.1031T>A), located in coding exon 11 of the CASQ2 gene, results from a T to A substitution at nucleotide position 1031. The methionine at codon 344 is replaced by lysine, an amino acid with similar properties. This alteration was reported in a dilated cardiomyopathy (DCM) cohort (Haas J et al. Eur. Heart J., 2015 May;36:1123-35a). This amino acid position is well conserved in available vertebrate species. In addition, the in silico prediction for this alteration is inconclusive. Since supporting evidence is limited at this time, the clinical significance of this alteration remains unclear.

Literature cited by the submitters: PubMed 25163546 (cited by Ambry Genetics).